The following is an entry in ClinVar:

ClinVar aggregate classification (germline): Pathogenic (1 of 4 stars; one submission).

Conditions:
Polycystic kidney disease 2 (PKD2). Also called: Polycystic Kidney Disease 2, Autosomal Dominant; POLYCYSTIC KIDNEY DISEASE, ADULT, TYPE II; POLYCYSTIC KIDNEY DISEASE 2 WITH OR WITHOUT POLYCYSTIC LIVER DISEASE. Identifiers: MedGen C2751306, MONDO:0013131, OMIM 613095.

Submission:

MVZ Medizinische Genetik Mainz
Classification: Pathogenic for Polycystic kidney disease 2. Last evaluated: 2025-05-23. Review status: criteria provided, single submitter. Criteria: UK Practice Guidelines For Variant Classification V4 01 2020. Collection method: clinical testing. Allele origin: germline. Inheritance: Autosomal dominant inheritance. Affected: yes. Observed: 1 variant allele.
Comment: ACMG Criteria: PVS1,PM2_SUP,PP4

NM_000297.4(PKD2):c.500del (p.Pro167fs)

Genes: PKD2 (polycystin 2, transient receptor potential cation channel; plus strand), LOC129992813 (ATAC-STARR-seq lymphoblastoid silent region 15559; plus strand). Cytogenetic location: 4q22.1.
Variant type: Deletion.
Coding change: c.500del on transcript NM_000297.4 (MANE Select); coding-DNA position 500, one base deleted (C; older notation c.500delC).
Protein change: p.Pro167fs; shifts the reading frame from proline 167.
Molecular consequence: frameshift variant. On other transcripts: non-coding transcript variant (1).
Genome position (GRCh38, 1-based): chr4:88,008,233, C deleted; the last of 3 consecutive C bases (chr4:88,008,231-88,008,233); deleting any one gives the same sequence. VCF-style (leftmost placement, unchanged base first): chr4-88008230-GC-G. GRCh37 (hg19) VCF-style: chr4-88929382-GC-G.
Other names: short protein forms P167fs.
Identifiers: ClinVar variation 3907665 (VCV003907665.1).